The following is an entry in ClinVar:

NM_015295.3(SMCHD1):c.3251C>T (p.Thr1084Ile)

Gene: SMCHD1 (structural maintenance of chromosomes flexible hinge domain containing 1; plus strand). Cytogenetic location: 18p11.32.
Variant type: single nucleotide variant.
Coding change: c.3251C>T on transcript NM_015295.3 (MANE Select); coding-DNA position 3251, C replaced by T.
Protein change: p.Thr1084Ile; replaces threonine 1084 with isoleucine.
Molecular consequence: missense variant.
Genome position (GRCh38, 1-based): chr18:2,732,467, C>T. VCF-style: chr18-2732467-C-T. GRCh37 (hg19) VCF-style: chr18-2732465-C-T.
Other names: short protein forms T1084I.
Identifiers: ClinVar variation 282663 (VCV000282663.17), dbSNP rs371392245, ClinGen allele CA8871156.

ClinVar aggregate classification (germline): Uncertain significance. Review status: criteria provided, multiple submitters, no conflicts (2 of 4 stars). 5 submissions from 5 submitters: Uncertain significance (5). Last evaluated 2025-06-18.

Conditions:
Inborn genetic diseases. Identifiers: MedGen C0950123, MeSH D030342.
Facioscapulohumeral muscular dystrophy 2 (FSHD2). Also called: MUSCULAR DYSTROPHY, FACIOSCAPULOHUMERAL, TYPE 1B; FACIOSCAPULOHUMERAL MUSCULAR DYSTROPHY 2, DIGENIC; FSHD2, DIGENIC. Identifiers: Orphanet 269, MedGen C1834671, MONDO:0008031, OMIM 158901.

Allele frequency attached by ClinVar (database versions not stated): gnomAD 0.00003; gnomAD exomes 0.00003 and 0.00006; TOPMed 0.00003; ExAC 0.00008; ESP Exome Variant Server 0.00017.
gnomAD v4.1: 46 of 1,605,270 alleles (0.0029%); highest among the groups gnomAD compares: Non-Finnish European, 0.00051%; no homozygotes.

Submissions (5):

Ambry Genetics
Classification: Uncertain significance for Inborn genetic diseases. Last evaluated: 2025-06-18. Review status: criteria provided, single submitter. Criteria: Ambry Variant Classification Scheme 2023. Collection method: clinical testing. Allele origin: germline.

Revvity Omics, Revvity
Classification: Uncertain significance. Last evaluated: 2024-12-05. Review status: criteria provided, single submitter. Criteria: ACMG Guidelines, 2015. Collection method: clinical testing. Allele origin: germline.

GeneDx
Classification: Uncertain significance. Last evaluated: 2024-12-02. Review status: criteria provided, single submitter. Criteria: GeneDx Variant Classification Process June 2021. Collection method: clinical testing. Allele origin: germline. Affected: yes.
Comment: In silico analysis supports that this missense variant has a deleterious effect on protein structure/function; Has not been previously published as pathogenic or benign to our knowledge

Labcorp Genetics (formerly Invitae), Labcorp
Classification: Uncertain significance for Facioscapulohumeral muscular dystrophy 2. Last evaluated: 2024-09-06. Review status: criteria provided, single submitter. Criteria: Invitae Variant Classification Sherloc (09022015). Collection method: clinical testing. Allele origin: germline.
Comment: This sequence change replaces threonine, which is neutral and polar, with isoleucine, which is neutral and non-polar, at codon 1084 of the SMCHD1 protein (p.Thr1084Ile). This variant is present in population databases (rs371392245, gnomAD 0.2%), and has an allele count higher than expected for a pathogenic variant. This variant has not been reported in the literature in individuals affected with SMCHD1-related conditions. ClinVar contains an entry for this variant (Variation ID: 282663). Invitae Evidence Modeling of protein sequence and biophysical properties (such as structural, functional, and spatial information, amino acid conservation, physicochemical variation, residue mobility, and thermodynamic stability) indicates that this missense variant is not expected to disrupt SMCHD1 protein function with a negative predictive value of 80%. In summary, the available evidence is currently insufficient to determine the role of this variant in disease. Therefore, it has been classified as a Variant of Uncertain Significance.

Eurofins Ntd Llc (ga)
Classification: Uncertain significance. Last evaluated: 2015-08-19. Review status: criteria provided, single submitter. Criteria: EGL Classification Definitions 2015. Collection method: clinical testing. Allele origin: germline. Observed: 1 variant allele, 1 heterozygote.